The following is an entry in ClinVar:

NM_005055.5(RAPSN):c.192+2T>G

Gene: RAPSN (receptor associated protein of the synapse; minus strand). Cytogenetic location: 11p11.2.
Variant type: single nucleotide variant.
Coding change: c.192+2T>G on transcript NM_005055.5 (MANE Select); the canonical splice donor site of the intron after coding-DNA position 192, T replaced by G.
Molecular consequence: splice donor variant.
Genome position (GRCh38, 1-based): chr11:47,448,771, A>C on the plus strand (T>G on the coding strand, the complement: RAPSN is on the minus strand). VCF-style: chr11-47448771-A-C. GRCh37 (hg19) VCF-style: chr11-47470323-A-C.
Other names: c.192+2T>G (NM_032645.5, NM_005055.4).
Identifiers: ClinVar variation 2678235 (VCV002678235.8), dbSNP rs2496136668, ClinGen allele CA380335601.

ClinVar aggregate classification (germline): Pathogenic/Likely pathogenic. Review status: criteria provided, multiple submitters, no conflicts (2 of 4 stars). 5 submissions from 5 submitters: Pathogenic (4); Likely pathogenic (1). Last evaluated 2024-04-19.

Conditions:
Fetal akinesia deformation sequence 2. Identifiers: MedGen C4760576, MONDO:0100102, OMIM 618388.
Congenital myasthenic syndrome 11. Also called: Myasthenic syndrome, congenital, 11, associated with acetylcholine receptor deficiency; MYASTHENIC SYNDROME, CONGENITAL, Ie. Identifiers: Orphanet 590, MedGen C4225367, MONDO:0014588, OMIM 616326.
Fetal akinesia deformation sequence 1 (FADS1). Also called: Fetal akinesia sequence; Pena-Shokeir syndrome type I. Identifiers: Orphanet 994, MedGen C1276035, MONDO:0100101, OMIM 208150, HP:0001989.
Congenital myasthenic syndrome (CMS). Also called: Congenital Myasthenic Syndromes. Identifiers: Orphanet 590, MedGen C0751882, MeSH D020294, MONDO:0018940.

Submissions (5):

Natera, Inc.
Classification: Pathogenic for Congenital myasthenic syndrome. Last evaluated: 2024-04-19. Review status: criteria provided, single submitter. Criteria: Natera Variant Classification Schema (03/2026). Collection method: clinical testing. Allele origin: germline.
Comment: The c.192+2T>G variant in RAPSN is a canonical splice donor site variant predicted to affect pre-mRNA splicing, which may result in an abnormal transcript and altered protein product. This variant is expected to result in nonsense mediated decay, truncation, or a dysfunctional protein product. This variant is rare in the general population with a frequency below the threshold expected for the associated phenotype(s). This variant has been observed in one or more individuals affected with the associated recessive disease, as either homozygous or compound heterozygous with a second variant (PMID: 20157724). Given the available evidence, this variant is classified as Pathogenic.

GeneDx
Classification: Pathogenic. Last evaluated: 2023-08-05. Review status: criteria provided, single submitter. Criteria: GeneDx Variant Classification Process June 2021. Collection method: clinical testing. Allele origin: germline. Affected: yes.
Comment: Canonical splice site variant predicted to result in a null allele in a gene for which loss of function is a known mechanism of disease; Not observed at significant frequency in large population cohorts (gnomAD); This variant is associated with the following publications: (PMID: 20157724)

Labcorp Genetics (formerly Invitae), Labcorp
Classification: Pathogenic for Congenital myasthenic syndrome 11; Fetal akinesia deformation sequence 1. Last evaluated: 2023-05-22. Review status: criteria provided, single submitter. Criteria: Invitae Variant Classification Sherloc (09022015). Collection method: clinical testing. Allele origin: germline.
Comment: This sequence change affects a donor splice site in intron 1 of the RAPSN gene. It is expected to disrupt RNA splicing. Variants that disrupt the donor or acceptor splice site typically lead to a loss of protein function (PMID: 16199547), and loss-of-function variants in RAPSN are known to be pathogenic (PMID: 17686188). This variant is not present in population databases (gnomAD no frequency). For these reasons, this variant has been classified as Pathogenic. Algorithms developed to predict the effect of sequence changes on RNA splicing suggest that this variant may disrupt the consensus splice site. This variant is also known as IVS1+2T>G. Disruption of this splice site has been observed in individual(s) with congenital myasthenic syndrome (PMID: 20157724). In at least one individual the data is consistent with being in trans (on the opposite chromosome) from a pathogenic variant.

Baylor Genetics
Classification: Pathogenic for Fetal akinesia deformation sequence 2. Last evaluated: 2022-02-16. Review status: criteria provided, single submitter. Criteria: ACMG Guidelines, 2015. Collection method: clinical testing. Allele origin: unknown.

Juno Genomics, Hangzhou Juno Genomics, Inc
Classification: Likely pathogenic for Fetal akinesia deformation sequence 2; Congenital myasthenic syndrome 11. Review status: criteria provided, single submitter. Criteria: ACMG Guidelines, 2015. Collection method: clinical testing. Allele origin: germline.
Comment: Null variant in a gene where loss of function (LOF) is a known mechanism of disease.;Absent from controls (or at extremely low frequency if recessive) in Genome Aggregation Database.;For recessive disorders, detected in trans with a pathogenic variant.

Literature cited by the submitters: PubMed 20157724 (cited by Natera, Inc. and Labcorp Genetics (formerly Invitae), Labcorp); PubMed 16199547 (cited by Labcorp Genetics (formerly Invitae), Labcorp); PubMed 17686188 (cited by Labcorp Genetics (formerly Invitae), Labcorp).